The following is an entry in ClinVar:

ClinVar aggregate classification (germline): Uncertain significance (1 of 4 stars; one submission).

Conditions:
Developmental delay with or without dysmorphic facies and autism. Identifiers: MedGen C5193106, MONDO:0032760, OMIM 618454.

Submission:

Pediatrics, Sichuan Provincial Hospital For Women And Children
Classification: Uncertain significance for Developmental delay with or without dysmorphic facies and autism. Last evaluated: 2022-04-08. Review status: criteria provided, single submitter. Criteria: ACMG Guidelines, 2015. Collection method: provider interpretation. Allele origin: de novo. Inheritance: Autosomal dominant inheritance. Affected: yes. Observed: 1 hemizygote.

NM_001375524.1(TRRAP):c.7143G>A (p.Trp2381Ter)

Gene: TRRAP (transformation/transcription domain associated protein; plus strand). Cytogenetic location: 7q22.1.
Variant type: single nucleotide variant.
Coding change: c.7143G>A on transcript NM_001375524.1 (MANE Select); coding-DNA position 7143, G replaced by A.
Protein change: p.Trp2381Ter; replaces tryptophan 2381 with a stop codon.
Molecular consequence: nonsense.
Genome position (GRCh38, 1-based): chr7:98,965,862, G>A. VCF-style: chr7-98965862-G-A. GRCh37 (hg19) VCF-style: chr7-98563485-G-A.
Other names: c.7122G>A, p.Trp2374Ter (NM_001244580.2); c.7068G>A, p.Trp2356Ter (NM_003496.4); short protein forms W2356*, W2374*, W2381*.
Identifiers: ClinVar variation 2498330 (VCV002498330.2), dbSNP rs2484910947, ClinGen allele CA368291034.